The following is an entry in ClinVar:

ClinVar aggregate classification (germline): Uncertain significance. Review status: criteria provided, multiple submitters, no conflicts (2 of 4 stars). 2 submissions from 2 submitters: Uncertain significance (2). Last evaluated 2026-01-14.

Conditions:
Familial cold autoinflammatory syndrome 2 (FCAS2). Identifiers: Orphanet 247868, MedGen C2673198, MONDO:0012724, OMIM 611762.

Allele frequency attached by ClinVar (database versions not stated): gnomAD exomes below 0.00001; TOPMed below 0.00001.
gnomAD v4.1: 1 of 1,614,006 alleles (0.000062%); highest among the groups gnomAD compares: Non-Finnish European, 0.000085%; no homozygotes.

Submissions (2):

GeneDx
Classification: Uncertain significance. Last evaluated: 2026-01-14. Review status: criteria provided, single submitter. Criteria: GeneDx Variant Classification Process June 2021. Collection method: clinical testing. Allele origin: germline.
Comment: Not observed at significant frequency in large population cohorts (gnomAD); In silico analysis suggests that this missense variant does not alter protein structure/function; Has not been previously published as pathogenic or benign to our knowledge

Labcorp Genetics (formerly Invitae), Labcorp
Classification: Uncertain significance for Familial cold autoinflammatory syndrome 2. Last evaluated: 2025-07-27. Review status: criteria provided, single submitter. Criteria: Invitae Variant Classification Sherloc (09022015). Collection method: clinical testing. Allele origin: germline.
Comment: This sequence change replaces histidine, which is basic and polar, with tyrosine, which is neutral and polar, at codon 664 of the NLRP12 protein (p.His664Tyr). This variant is not present in population databases (gnomAD no frequency). This variant has not been reported in the literature in individuals affected with NLRP12-related conditions. ClinVar contains an entry for this variant (Variation ID: 536928). Invitae Evidence Modeling of protein sequence and biophysical properties (such as structural, functional, and spatial information, amino acid conservation, physicochemical variation, residue mobility, and thermodynamic stability) indicates that this missense variant is not expected to disrupt NLRP12 protein function with a negative predictive value of 80%. In summary, the available evidence is currently insufficient to determine the role of this variant in disease. Therefore, it has been classified as a Variant of Uncertain Significance.

NM_144687.4(NLRP12):c.1990C>T (p.His664Tyr)

Gene: NLRP12 (NLR family pyrin domain containing 12; minus strand). Cytogenetic location: 19q13.42.
Variant type: single nucleotide variant.
Coding change: c.1990C>T on transcript NM_144687.4 (MANE Select); coding-DNA position 1990, C replaced by T.
Protein change: p.His664Tyr; replaces histidine 664 with tyrosine.
Molecular consequence: missense variant.
Genome position (GRCh38, 1-based): chr19:53,809,669, G>A on the plus strand (C>T on the coding strand, the complement: NLRP12 is on the minus strand). VCF-style: chr19-53809669-G-A. GRCh37 (hg19) VCF-style: chr19-54312923-G-A.
Other names: c.1990C>T (NM_144687.2); c.1990C>T, p.His664Tyr (NM_001277126.2, NM_001277129.1); short protein forms H664Y.
Identifiers: ClinVar variation 536928 (VCV000536928.12), dbSNP rs1555795695, ClinGen allele CA407411709.
Genomic context (GRCh38, chr19:53,809,669, plus strand): 5'-CTCCTGCGGAGCACCTCGCGCGGTCTTCCCCGTCCGCGCTGTAGGTGGCGCCATACAAGT[G>A]CAGCACCTGGGCGCTCCTGCAGCGCTTCAGACAGAACGAGGAGACCATGTGCTCCATCTT-3'
Protein context (NP_653288.1, residues 654-674): LKRCRSAQVL[His664Tyr]LYGATYSADG